The following is an entry in ClinVar:

NM_006767.4(LZTR1):c.2357T>G (p.Leu786Arg)

Gene: LZTR1 (leucine zipper like post translational regulator 1; plus strand). Cytogenetic location: 22q11.21.
Variant type: single nucleotide variant.
Coding change: c.2357T>G on transcript NM_006767.4 (MANE Select); coding-DNA position 2357, T replaced by G.
Protein change: p.Leu786Arg; replaces leucine 786 with arginine.
Molecular consequence: missense variant.
Genome position (GRCh38, 1-based): chr22:20,996,917, T>G. VCF-style: chr22-20996917-T-G. GRCh37 (hg19) VCF-style: chr22-21351206-T-G.
Other names: short protein forms L786R.
Identifiers: ClinVar variation 3541667 (VCV003541667.1).

ClinVar aggregate classification (germline): Uncertain significance (1 of 4 stars; one submission).

Conditions:
Hereditary cancer-predisposing syndrome. Also called: Hereditary Cancer Syndrome; Hereditary neoplastic syndrome; Tumor predisposition; Neoplastic Syndromes, Hereditary. Identifiers: Orphanet 140162, MedGen C0027672, MeSH D009386, MONDO:0015356.
Cardiovascular phenotype. Identifiers: MedGen CN230736.

Submission:

Ambry Genetics
Classification: Uncertain significance for Cardiovascular phenotype; Hereditary cancer-predisposing syndrome. Last evaluated: 2024-10-19. Review status: criteria provided, single submitter. Criteria: Ambry Variant Classification Scheme 2023. Collection method: clinical testing. Allele origin: germline.
Comment: The p.L786R variant (also known as c.2357T>G), located in coding exon 20 of the LZTR1 gene, results from a T to G substitution at nucleotide position 2357. The leucine at codon 786 is replaced by arginine, an amino acid with dissimilar properties. This amino acid position is conserved. In addition, the in silico prediction for this alteration is inconclusive. Based on the available evidence, the clinical significance of this variant remains unclear.